The following is an entry in ClinVar:

ClinVar aggregate classification (germline): Likely benign (0 of 4 stars; one submission).

Conditions:
NOP56-related disorder. Also called: NOP56-related condition.

Allele frequency attached by ClinVar (database versions not stated): TOPMed 0.00003; gnomAD 0.00006; gnomAD exomes 0.00009; ExAC 0.00028; 1000 Genomes Project 0.00080; 1000 Genomes Project 30x 0.00094.

Submission:

PreventionGenetics, part of Exact Sciences
Classification: Likely benign for NOP56-related condition. Last evaluated: 2022-12-21. Review status: no assertion criteria provided. Collection method: clinical testing. Allele origin: germline.
Comment: This variant is classified as likely benign based on ACMG/AMP sequence variant interpretation guidelines (Richards et al. 2015 PMID: 25741868, with internal and published modifications).

NM_006392.4(NOP56):c.1379C>T (p.Ala460Val)

Gene: NOP56 (NOP56 ribonucleoprotein; plus strand). Cytogenetic location: 20p13.
Variant type: single nucleotide variant.
Coding change: c.1379C>T on transcript NM_006392.4 (MANE Select); coding-DNA position 1379, C replaced by T.
Protein change: p.Ala460Val; replaces alanine 460 with valine.
Molecular consequence: missense variant. On other transcripts: non-coding transcript variant (2).
Genome position (GRCh38, 1-based): chr20:2,657,178, C>T. VCF-style: chr20-2657178-C-T. GRCh37 (hg19) VCF-style: chr20-2637824-C-T.
Other names: short protein forms A460V.
Identifiers: ClinVar variation 3046674 (VCV003046674.2), dbSNP rs547494052, ClinGen allele CA9734827.